The following is an entry in ClinVar:

NM_001042432.2(CLN3):c.-2C>G

Gene: CLN3 (CLN3 lysosomal/endosomal transmembrane protein, battenin; minus strand). Cytogenetic location: 16p12.1.
Variant type: single nucleotide variant.
Coding change: c.-2C>G on transcript NM_001042432.2 (MANE Select); 2 bases upstream of the start codon, C replaced by G.
Molecular consequence: 5 prime UTR variant.
Genome position (GRCh38, 1-based): chr16:28,491,761, G>C on the plus strand (C>G on the coding strand, the complement: CLN3 is on the minus strand). VCF-style: chr16-28491761-G-C. GRCh37 (hg19) VCF-style: chr16-28503082-G-C.
Other names: c.-2C>G (NM_000086.2, NM_001286104.2); c.-143C>G (NM_001286105.2); c.-85C>G (NM_001286109.2, NM_001286110.2).
Identifiers: ClinVar variation 810704 (VCV000810704.44), dbSNP rs747169563, ClinGen allele CA7981131.
Genomic context (GRCh38, chr16:28,491,761, plus strand): 5'-CGGGAATACTCACCCTCGGAATCCGAAAAGCGCCGCCGCGAGCCTGCACAGCCTCCCATC[G>C]CATCAAGTTCAGGTCCCCCGAGGGTCCAGGGTCATAGAGTGTCCAAAGGGGGCTCCCACG-3'

ClinVar aggregate classification (germline): Uncertain significance. Review status: criteria provided, multiple submitters, no conflicts (2 of 4 stars). 2 submissions from 2 submitters: Uncertain significance (2). Last evaluated 2018-01-29.

Conditions:
Inborn genetic diseases. Identifiers: MedGen C0950123, MeSH D030342.

Allele frequency attached by ClinVar (database versions not stated): ExAC 0.00001; gnomAD exomes 0.00003 and 0.00004; gnomAD 0.00004 and 0.00005; TOPMed 0.00006.
gnomAD v4.1: 65 of 1,613,634 alleles (0.004%); highest among the groups gnomAD compares: Non-Finnish European, 0.0054%; no homozygotes.

Submissions (2):

Ambry Genetics
Classification: Uncertain significance for Inborn genetic diseases. Last evaluated: 2018-01-29. Review status: criteria provided, single submitter. Criteria: Ambry Variant Classification Scheme 2023. Collection method: clinical testing. Allele origin: germline.
Comment: The c.-2C>G variant is located in the 5' untranslated region (5&rsquo; UTR) of the CLN3 gene. This variant results from a C to G substitution 2 bases upstream from the first translated codon. This nucleotide position is not well conserved in available vertebrate species. Since supporting evidence is limited at this time, the clinical significance of this alteration remains unclear.

CeGaT Center for Human Genetics Tuebingen
Classification: Uncertain significance. Last evaluated: 2017-01-01. Review status: criteria provided, single submitter. Criteria: CeGaT Center For Human Genetics Tuebingen Variant Classification Criteria Version 2. Collection method: clinical testing. Allele origin: germline. Affected: yes. Observed: 1 variant allele.